The following is an entry in ClinVar:

NM_000152.5(GAA):c.547-2A>G

Gene: GAA (alpha glucosidase; plus strand). Cytogenetic location: 17q25.3.
Variant type: single nucleotide variant.
Coding change: c.547-2A>G on transcript NM_000152.5 (MANE Select); the canonical splice acceptor site of the intron before coding-DNA position 547, A replaced by G.
Molecular consequence: splice acceptor variant.
Genome position (GRCh38, 1-based): chr17:80,105,747, A>G. VCF-style: chr17-80105747-A-G. GRCh37 (hg19) VCF-style: chr17-78079546-A-G.
Other names: c.547-2A>G (NM_001406741.1, NM_001406742.1, NM_001079803.3 and 1 more transcripts).
Identifiers: ClinVar variation 4817594 (VCV004817594.1).

ClinVar aggregate classification (germline): Pathogenic (1 of 4 stars; one submission).

Conditions:
Glycogen storage disease, type II (IOPD). Also called: Glucosidase acid-1,4-alpha deficiency; Pompe Disease; CARDIOMEGALIA GLYCOGENICA DIFFUSA; Glycogen storage disease type 2; Acid maltase deficiency disease; Aglucosidase alfa. Identifiers: Orphanet 365, MedGen C0017921, MONDO:0009290, OMIM 232300.

Submission:

Natera, Inc.
Classification: Pathogenic for Glycogen storage disease type II. Last evaluated: 2024-07-01. Review status: criteria provided, single submitter. Criteria: Natera Variant Classification Schema (03/2026). Collection method: clinical testing. Allele origin: germline.
Comment: The c.547-2A>G variant in GAA is a canonical splice acceptor site variant predicted to affect pre-mRNA splicing, which may result in an abnormal transcript and altered protein product. This variant is expected to result in nonsense mediated decay, truncation, or a dysfunctional protein product. This variant is rare in the general population with a frequency below the threshold expected for the associated phenotype(s). Another variant at this same site results in an alteration predicted to cause a similar molecular effect has been observed in individual(s) with the associated phenotype. Given the available evidence, this variant is classified as Pathogenic.